The following is an entry in ClinVar:

NM_014804.3(KIAA0753):c.2T>C (p.Met1Thr)

Gene: KIAA0753 (KIAA0753; minus strand). Cytogenetic location: 17p13.1.
Variant type: single nucleotide variant.
Coding change: c.2T>C on transcript NM_014804.3 (MANE Select); coding-DNA position 2, T replaced by C.
Protein change: p.Met1Thr; changes the start codon (methionine 1).
Molecular consequence: missense variant, initiator codon variant. On other transcripts: 5 prime UTR variant (1), non-coding transcript variant (3).
Genome position (GRCh38, 1-based): chr17:6,635,102, A>G on the plus strand (T>C on the coding strand, the complement: KIAA0753 is on the minus strand). VCF-style: chr17-6635102-A-G. GRCh37 (hg19) VCF-style: chr17-6538422-A-G.
Other names: c.-1233T>C (NM_001351225.2); short protein forms M1T.
Identifiers: ClinVar variation 2806335 (VCV002806335.3), dbSNP rs761257178, ClinGen allele CA8330866.

ClinVar aggregate classification (germline): Pathogenic (1 of 4 stars; one submission).

Allele frequency attached by ClinVar (database versions not stated): gnomAD exomes below 0.00001; ExAC 0.00001.

Submission:

Labcorp Genetics (formerly Invitae), Labcorp
Classification: Pathogenic. Last evaluated: 2024-02-14. Review status: criteria provided, single submitter. Criteria: Invitae Variant Classification Sherloc (09022015). Collection method: clinical testing. Allele origin: germline.
Comment: This sequence change affects the initiator methionine of the KIAA0753 mRNA. The next in-frame methionine is located at codon 268. This variant is present in population databases (rs761257178, gnomAD 0.006%). This variant has not been reported in the literature in individuals affected with KIAA0753-related conditions. This variant disrupts a region of the KIAA0753 protein in which other variant(s) (p.Arg257Gly) have been determined to be pathogenic (PMID: 28220259). This suggests that this is a clinically significant region of the protein, and that variants that disrupt it are likely to be disease-causing. For these reasons, this variant has been classified as Pathogenic.

Literature cited by the submitters: PubMed 28220259.